The following is an entry in ClinVar:

NM_000264.5(PTCH1):c.671A>T (p.Tyr224Phe)

Gene: PTCH1 (patched 1; minus strand). Cytogenetic location: 9q22.32.
Variant type: single nucleotide variant.
Coding change: c.671A>T on transcript NM_000264.5 (MANE Select); coding-DNA position 671, A replaced by T.
Protein change: p.Tyr224Phe; replaces tyrosine 224 with phenylalanine.
Molecular consequence: missense variant. On other transcripts: non-coding transcript variant (1).
Genome position (GRCh38, 1-based): chr9:95,482,024, T>A on the plus strand (A>T on the coding strand, the complement: PTCH1 is on the minus strand). VCF-style: chr9-95482024-T-A. GRCh37 (hg19) VCF-style: chr9-98244306-T-A.
Other names: c.671A>T (NM_000264.3); c.473A>T, p.Tyr158Phe (NM_001083602.3, NM_001354919.2); c.668A>T, p.Tyr223Phe (NM_001083603.3); c.218A>T, p.Tyr73Phe (NM_001083604.3, NM_001083605.3, NM_001083606.3 and 1 more transcripts); c.671A>T, p.Tyr224Phe (NM_001354918.2); short protein forms Y223F, Y73F, Y224F, Y158F.
Identifiers: ClinVar variation 1502567 (VCV001502567.9), dbSNP rs747205016, ClinGen allele CA5138873.

ClinVar aggregate classification (germline): Conflicting classifications of pathogenicity. Review status: criteria provided, conflicting classifications (1 of 4 stars). 2 submissions from 2 submitters: Uncertain significance (1); Likely benign (1). Last evaluated 2025-10-29.

Conditions:
Gorlin syndrome. Also called: Nevoid Basal Cell Carcinoma Syndrome; Basal cell nevus syndrome. Identifiers: Orphanet 377, MedGen C0004779, MONDO:0007187.
Hereditary cancer-predisposing syndrome. Also called: Tumor predisposition; Hereditary neoplastic syndrome; Neoplastic Syndromes, Hereditary; Hereditary Cancer Syndrome. Identifiers: Orphanet 140162, MedGen C0027672, MeSH D009386, MONDO:0015356.

Allele frequency attached by ClinVar (database versions not stated): gnomAD exomes 0.00001; ExAC 0.00002.
gnomAD v4.1: 7 of 1,613,780 alleles (0.00043%); highest among the groups gnomAD compares: Non-Finnish European, 0.00042%; no homozygotes.

Submissions (2):

Ambry Genetics
Classification: Uncertain significance for Hereditary cancer-predisposing syndrome. Last evaluated: 2025-10-29. Review status: criteria provided, single submitter. Criteria: Ambry Variant Classification Scheme 2023. Collection method: clinical testing. Allele origin: germline.
Comment: The p.Y224F variant (also known as c.671A>T), located in coding exon 5 of the PTCH1 gene, results from an A to T substitution at nucleotide position 671. The tyrosine at codon 224 is replaced by phenylalanine, an amino acid with highly similar properties. This amino acid position is conserved. In addition, the in silico prediction for this alteration is inconclusive. Since supporting evidence is limited at this time, the clinical significance of this alteration remains unclear.

Labcorp Genetics (formerly Invitae), Labcorp
Classification: Likely benign for Gorlin syndrome. Last evaluated: 2022-03-04. Review status: criteria provided, single submitter. Criteria: Invitae Variant Classification Sherloc (09022015). Collection method: clinical testing. Allele origin: germline.